The following is an entry in ClinVar:

ClinVar aggregate classification (germline): Benign/Likely benign. Review status: criteria provided, multiple submitters, no conflicts (2 of 4 stars). 9 submissions from 9 submitters: Benign (2); Likely benign (5). 2 of the submissions do not count toward it. Last evaluated 2026-02-02.

Conditions:
Fraser syndrome 2 (FRASRS2). Identifiers: MedGen C4540036, MONDO:0054738, OMIM 617666.
Isolated cryptophthalmia. Also called: ANKYLOBLEPHARON, SIMPLE; Cryptophthalmos, unilateral or bilateral, isolated. Identifiers: Orphanet 91396, MedGen C1852453, MONDO:0007410, OMIM 123570.

Allele frequency attached by ClinVar (database versions not stated): gnomAD exomes 0.00194; 1000 Genomes Project 0.00260; ExAC 0.00262; 1000 Genomes Project 30x 0.00281; ESP Exome Variant Server 0.00295; TOPMed 0.00419.
gnomAD v4.1: 2,262 of 1,601,794 alleles (0.14%); highest among the groups gnomAD compares: African/African-American, 0.85%; 8 homozygotes.

Submissions (9):

Labcorp Genetics (formerly Invitae), Labcorp
Classification: Benign. Last evaluated: 2026-02-02. Review status: criteria provided, single submitter. Criteria: Invitae Variant Classification Sherloc (09022015). Collection method: clinical testing. Allele origin: germline.

Blueprint Genetics
Classification: Likely benign. Last evaluated: 2024-11-26. Review status: criteria provided, single submitter. Criteria: ACMG Guidelines, 2015. Collection method: clinical testing. Allele origin: germline.

CeGaT Center for Human Genetics Tuebingen
Classification: Likely benign. Last evaluated: 2022-05-01. Review status: criteria provided, single submitter. Criteria: CeGaT Center For Human Genetics Tuebingen Variant Classification Criteria Version 2. Collection method: clinical testing. Allele origin: germline. Affected: yes. Observed: 1 variant allele.
Comment: FREM2: BP4, BP7

Fulgent Genetics
Classification: Likely benign for Isolated cryptophthalmia; Fraser syndrome 2. Last evaluated: 2021-10-13. Review status: criteria provided, single submitter. Criteria: ACMG Guidelines, 2015. Collection method: clinical testing. Allele origin: unknown.

Illumina Laboratory Services, Illumina
Classification: Likely benign for Fraser syndrome 2. Last evaluated: 2018-01-13. Review status: criteria provided, single submitter. Criteria: ICSL Variant Classification Criteria 13 December 2019. Collection method: clinical testing. Allele origin: germline.
Comment: This variant was observed in the ICSL laboratory as part of a predisposition screen in an ostensibly healthy population. It had not been previously curated by ICSL or reported in the Human Gene Mutation Database (HGMD: prior to June 1st, 2018), and was therefore a candidate for classification through an automated scoring system. Utilizing variant allele frequency, disease prevalence and penetrance estimates, and inheritance mode, an automated score was calculated to assess if this variant is too frequent to cause the disease. Based on the score and internal cut-off values, a variant classified as likely benign is not then subjected to further curation. The score for this variant resulted in a classification of likely benign for this disease.

Eurofins Ntd Llc (ga)
Classification: Benign. Last evaluated: 2014-12-12. Review status: criteria provided, single submitter. Criteria: EGL Classification Definitions 2015. Collection method: clinical testing. Allele origin: germline. Observed: 1 variant allele, 1 heterozygote.

Breakthrough Genomics
Classification: Likely benign. Review status: criteria provided, single submitter. Criteria: ACMG Guidelines, 2015. Collection method: not provided. Allele origin: germline. Inheritance: Autosomal recessive inheritance. Affected: yes.

Clinical Genetics DNA and cytogenetics Diagnostics Lab, Erasmus MC, Erasmus Medical Center
Classification: Likely benign. Review status: no assertion criteria provided. Collection method: clinical testing. Allele origin: germline. Affected: yes. Study: VKGL Data-share Consensus. Not counted in ClinVar's aggregate classification.

Genome Diagnostics Laboratory, University Medical Center Utrecht
Classification: Likely benign. Review status: no assertion criteria provided. Collection method: clinical testing. Allele origin: germline. Affected: yes. Study: VKGL Data-share Consensus. Not counted in ClinVar's aggregate classification.

NM_207361.6(FREM2):c.84C>G (p.Pro28=)

Gene: FREM2 (FRAS1 related extracellular matrix 2; plus strand). Cytogenetic location: 13q13.3.
Variant type: single nucleotide variant.
Coding change: c.84C>G on transcript NM_207361.6 (MANE Select); coding-DNA position 84, C replaced by G.
Protein change: p.Pro28=; no amino-acid change (proline 28 retained).
Molecular consequence: synonymous variant.
Genome position (GRCh38, 1-based): chr13:38,687,428, C>G. VCF-style: chr13-38687428-C-G. GRCh37 (hg19) VCF-style: chr13-39261565-C-G.
Identifiers: ClinVar variation 193533 (VCV000193533.53), dbSNP rs141718695, ClinGen allele CA200637.